The following is an entry in ClinVar:

NM_003072.5(SMARCA4):c.1755_1757del (p.Lys588del)

Gene: SMARCA4 (SWI/SNF related BAF chromatin remodeling complex subunit ATPase 4; plus strand). Cytogenetic location: 19p13.2.
Variant type: Deletion.
Coding change: c.1755_1757del on transcript NM_003072.5 (MANE Select); coding-DNA positions 1755 to 1757, 3 bases deleted (AAA; older notation c.1755_1757delAAA).
Protein change: p.Lys588del; deletes lysine 588.
Molecular consequence: inframe deletion. On other transcripts: non-coding transcript variant (1).
Genome position (GRCh38, 1-based): chr19:10,996,374-10,996,376, AAA deleted; deleting any 3 consecutive bases within chr19:10,996,372-10,996,376 gives the same sequence; the c. name uses the placement nearest the transcript's 3' end. VCF-style (leftmost placement, unchanged base first): chr19-10996371-GAAA-G. GRCh37 (hg19) VCF-style: chr19-11107047-GAAA-G.
Other names: c.1755_1757del, p.Lys588del (NM_001128844.3, NM_001128845.2, NM_001128846.2 and 5 more transcripts); short protein forms K588del.
Identifiers: ClinVar variation 480624 (VCV000480624.5), dbSNP rs1555763780, ClinGen allele CA658656772.

ClinVar aggregate classification (germline): Uncertain significance (1 of 4 stars; one submission).

Conditions:
Hereditary cancer-predisposing syndrome. Also called: Hereditary Cancer Syndrome; Neoplastic Syndromes, Hereditary; Tumor predisposition; Hereditary neoplastic syndrome. Identifiers: Orphanet 140162, MedGen C0027672, MeSH D009386, MONDO:0015356.

Submission:

Ambry Genetics
Classification: Uncertain significance for Hereditary cancer-predisposing syndrome. Last evaluated: 2016-05-02. Review status: criteria provided, single submitter. Criteria: Ambry Variant Classification Scheme 2023. Collection method: clinical testing. Allele origin: germline.
Comment: The c.1755_1757delAAA variant (also known as p.K588del) is located in coding exon 9 of the SMARCA4 gene. This variant results from an in-frame deletion of three nucelotides between nucleotide positions 1755 and 1757. The lysine at codon 588 is deleted. This variant was not reported in population based cohorts in the following databases: Database of Single Nucleotide Polymorphisms (dbSNP), NHLBI Exome Sequencing Project (ESP), and 1000 Genomes Project. In the ESP, this variant was not observed in 6503 samples (13006 alleles) with coverage at this position. To date, this alteration has been detected with an allele frequency of approximately 0.003% (greater than 30000 alleles tested) in our clinical cohort. This amino acid position is highly conserved in available vertebrate species. Since supporting evidence is limited at this time, the clinical significance of this alteration remains unclear.